The following is an entry in ClinVar:

ClinVar aggregate classification (germline): Uncertain significance. Review status: criteria provided, multiple submitters, no conflicts (2 of 4 stars). 2 submissions from 2 submitters: Uncertain significance (2). Last evaluated 2025-03-04.

Conditions:
Severe combined immunodeficiency due to DNA-PKcs deficiency. Also called: IMMUNODEFICIENCY 26 WITH NEUROLOGIC ABNORMALITIES; Immunodeficiency 26 with or without neurologic abnormalities. Identifiers: Orphanet 317425, MedGen C4014833, MONDO:0014423, OMIM 615966.

Allele frequency attached by ClinVar (database versions not stated): ExAC 0.00002; ESP Exome Variant Server 0.00008; 1000 Genomes Project 30x 0.00016; gnomAD 0.00016; TOPMed 0.00017; 1000 Genomes Project 0.00020.
gnomAD v4.1: 36 of 1,614,008 alleles (0.0022%); highest among the groups gnomAD compares: African/African-American, 0.047%; no homozygotes.

Submissions (2):

Labcorp Genetics (formerly Invitae), Labcorp
Classification: Uncertain significance for Severe combined immunodeficiency due to DNA-PKcs deficiency. Last evaluated: 2025-03-04. Review status: criteria provided, single submitter. Criteria: Invitae Variant Classification Sherloc (09022015). Collection method: clinical testing. Allele origin: germline.
Comment: This sequence change replaces phenylalanine, which is neutral and non-polar, with isoleucine, which is neutral and non-polar, at codon 465 of the PRKDC protein (p.Phe465Ile). This variant is present in population databases (rs377167387, gnomAD 0.05%). This variant has not been reported in the literature in individuals affected with PRKDC-related conditions. ClinVar contains an entry for this variant (Variation ID: 1957978). Invitae Evidence Modeling of protein sequence and biophysical properties (such as structural, functional, and spatial information, amino acid conservation, physicochemical variation, residue mobility, and thermodynamic stability) indicates that this missense variant is not expected to disrupt PRKDC protein function with a negative predictive value of 80%. In summary, the available evidence is currently insufficient to determine the role of this variant in disease. Therefore, it has been classified as a Variant of Uncertain Significance.

Ambry Genetics
Classification: Uncertain significance. Last evaluated: 2023-02-02. Review status: criteria provided, single submitter. Criteria: Ambry Variant Classification Scheme 2023. Collection method: clinical testing. Allele origin: germline.
Comment: The p.F465I variant (also known as c.1393T>A), located in coding exon 13 of the PRKDC gene, results from a T to A substitution at nucleotide position 1393. The phenylalanine at codon 465 is replaced by isoleucine, an amino acid with highly similar properties. This amino acid position is conserved. In addition, the in silico prediction for this alteration is inconclusive. Since supporting evidence is limited at this time, the clinical significance of this alteration remains unclear.

NM_006904.7(PRKDC):c.1393T>A (p.Phe465Ile)

Gene: PRKDC (protein kinase, DNA-activated, catalytic subunit; minus strand). Cytogenetic location: 8q11.21.
Variant type: single nucleotide variant.
Coding change: c.1393T>A on transcript NM_006904.7 (MANE Select); coding-DNA position 1393, T replaced by A.
Protein change: p.Phe465Ile; replaces phenylalanine 465 with isoleucine.
Molecular consequence: missense variant.
Genome position (GRCh38, 1-based): chr8:47,935,786, A>T on the plus strand (T>A on the coding strand, the complement: PRKDC is on the minus strand). VCF-style: chr8-47935786-A-T. GRCh37 (hg19) VCF-style: chr8-48848346-A-T.
Other names: c.1393T>A, p.Phe465Ile (NM_001081640.2); short protein forms F465I.
Identifiers: ClinVar variation 1957978 (VCV001957978.6), dbSNP rs377167387, ClinGen allele CA4741747.